The following is an entry in ClinVar:

ClinVar aggregate classification (germline): Uncertain significance. Review status: criteria provided, multiple submitters, no conflicts (2 of 4 stars). 5 submissions from 5 submitters: Uncertain significance (5). Last evaluated 2025-11-24.

Conditions:
Classic or attenuated familial adenomatous polyposis. Identifiers: MedGen CN372698, MONDO:0021057.
Hereditary cancer-predisposing syndrome. Also called: Tumor predisposition; Hereditary neoplastic syndrome; Neoplastic Syndromes, Hereditary; Hereditary Cancer Syndrome. Identifiers: Orphanet 140162, MedGen C0027672, MeSH D009386, MONDO:0015356.
Familial adenomatous polyposis 1 (FAP1). Also called: POLYPOSIS, ADENOMATOUS INTESTINAL; FAMILIAL ADENOMATOUS POLYPOSIS 1, ATTENUATED. Identifiers: MedGen C2713442, MONDO:0021056, OMIM 175100. Disease mechanism: loss of function.

Submissions (5):

Color Diagnostics, LLC DBA Color Health
Classification: Uncertain significance for Hereditary cancer-predisposing syndrome. Last evaluated: 2025-11-24. Review status: criteria provided, single submitter. Criteria: ACMG Guidelines, 2015. Collection method: clinical testing. Allele origin: germline.
Comment: This variant causes an in-frame deletion of one serine amino acid at codon 2242 of the APC protein. To our knowledge, functional studies have not been reported for this variant. This variant has not been reported in individuals affected with APC-related disorders in the literature. This variant has been identified in 3/1613740 chromosomes in the general population by the Genome Aggregation Database (gnomAD). The available evidence is insufficient to determine the role of this variant in disease conclusively. Therefore, this variant is classified as a Variant of Uncertain Significance.

Center for Genomic Medicine, Rigshospitalet, Copenhagen University Hospital
Classification: Uncertain significance. Last evaluated: 2025-03-04. Review status: criteria provided, single submitter. Criteria: ACMG Guidelines, 2015. Collection method: clinical testing. Allele origin: germline.

Labcorp Genetics (formerly Invitae), Labcorp
Classification: Uncertain significance for Familial adenomatous polyposis 1. Last evaluated: 2024-09-17. Review status: criteria provided, single submitter. Criteria: Invitae Variant Classification Sherloc (09022015). Collection method: clinical testing. Allele origin: germline.
Comment: This variant, c.6720_6722del, results in the deletion of 1 amino acid(s) of the APC protein (p.Ser2242del), but otherwise preserves the integrity of the reading frame. This variant is not present in population databases (gnomAD no frequency). This variant has not been reported in the literature in individuals affected with APC-related conditions. ClinVar contains an entry for this variant (Variation ID: 959732). Experimental studies and prediction algorithms are not available or were not evaluated, and the functional significance of this variant is currently unknown. In summary, the available evidence is currently insufficient to determine the role of this variant in disease. Therefore, it has been classified as a Variant of Uncertain Significance.

All of Us Research Program, National Institutes of Health
Classification: Uncertain significance for Classic or attenuated familial adenomatous polyposis. Last evaluated: 2023-10-23. Review status: criteria provided, single submitter. Criteria: ACMG Guidelines, 2015. Collection method: clinical testing. Allele origin: germline. Inheritance: Autosomal dominant inheritance. Observed: 1 variant allele, 1 heterozygote.
Comment: This variant causes an in-frame deletion of one amino acid at exon 16 of the APC protein. To our knowledge, functional studies have not been reported for this variant. This variant has not been reported in individuals affected with hereditary cancer in the literature. This variant has not been identified in the general population by the Genome Aggregation Database (gnomAD). The available evidence is insufficient to determine the role of this variant in disease conclusively. Therefore, this variant is classified as a Variant of Uncertain Significance.

This study involves interpretation of variants in research participants for the purpose of population health screening. Participant phenotype was not available at the time of variant classification. Additional details can be found in publication PMID: 35346344, PMCID: PMC8962531

Ambry Genetics
Classification: Uncertain significance for Hereditary cancer-predisposing syndrome. Last evaluated: 2023-08-07. Review status: criteria provided, single submitter. Criteria: Ambry Variant Classification Scheme 2023. Collection method: clinical testing. Allele origin: germline.
Comment: The c.6720_6722delCTC variant (also known as p.S2242del) is located in coding exon 15 of the APC gene. This variant results from an in-frame CTC deletion at nucleotide positions 6720 to 6722. This results in the in-frame deletion of a serine at codon 2242. This amino acid position is well conserved in available vertebrate species. In addition, this alteration is predicted to be neutral by in silico analysis (Choi Y et al. PLoS ONE. 2012; 7(10):e46688). Since supporting evidence is limited at this time, the clinical significance of this alteration remains unclear.

NM_000038.6(APC):c.6717CTC[1] (p.Ser2242del)

Gene: APC (APC regulator of Wnt signaling pathway; plus strand). Cytogenetic location: 5q22.2.
Variant type: Microsatellite.
Coding change: c.6717CTC[1] on transcript NM_000038.6 (MANE Select); one copy of the 3-base unit CTC starting at c.6717; the reference has two copies in a row; one copy, 3 bases deleted; also written c.6720_6722del.
Protein change: p.Ser2242del; deletes serine 2242.
Molecular consequence: inframe deletion.
Genome position (GRCh38, 1-based): chr5:112,842,314-112,842,316, CTC deleted; deleting any 3 consecutive bases within chr5:112,842,311-112,842,316 gives the same sequence; the position shown is the placement nearest the transcript's 3' end. VCF-style (leftmost placement, unchanged base first): chr5-112842310-GCTC-G. GRCh37 (hg19) VCF-style: chr5-112178007-GCTC-G.
Other names: c.6720_6722del (NM_000038.6); c.6717CTC[1], p.Ser2242del (NM_001127510.3, NM_001354895.2); c.6663CTC[1], p.Ser2224del (NM_001127511.3); c.6771CTC[1], p.Ser2260del (NM_001354896.2); c.6747CTC[1], p.Ser2252del (NM_001354897.2); c.6642CTC[1], p.Ser2217del (NM_001354898.2); c.6633CTC[1], p.Ser2214del (NM_001354899.2); c.6594CTC[1], p.Ser2201del (NM_001354900.2); and 7 more; short protein forms S1959del, S2183del, S2214del, S2217del, S2260del, S2116del, S2141del, S2151del.
Identifiers: ClinVar variation 959732 (VCV000959732.19), dbSNP rs1766283239, ClinGen allele CA1573484334.